The following is an entry in ClinVar:

NM_001040108.2(MLH3):c.867A>C (p.Gln289His)

Gene: MLH3 (mutL homolog 3; minus strand). Cytogenetic location: 14q24.3.
Variant type: single nucleotide variant.
Coding change: c.867A>C on transcript NM_001040108.2 (MANE Select); coding-DNA position 867, A replaced by C.
Protein change: p.Gln289His; replaces glutamine 289 with histidine.
Molecular consequence: missense variant.
Genome position (GRCh38, 1-based): chr14:75,048,789, T>G on the plus strand (A>C on the coding strand, the complement: MLH3 is on the minus strand). VCF-style: chr14-75048789-T-G. GRCh37 (hg19) VCF-style: chr14-75515492-T-G.
Other names: c.867A>C, p.Gln289His (NM_014381.3); short protein forms Q289H.
Identifiers: ClinVar variation 1764257 (VCV001764257.5), dbSNP rs773294144, ClinGen allele CA390448861.

ClinVar aggregate classification (germline): Uncertain significance. Review status: criteria provided, multiple submitters, no conflicts (2 of 4 stars). 2 submissions from 2 submitters: Uncertain significance (2). Last evaluated 2026-01-27.

Conditions:
Colorectal cancer, hereditary nonpolyposis, type 7. Identifiers: Orphanet 144, MedGen C1858380, MONDO:0013725, OMIM 614385.

Submissions (2):

Labcorp Genetics (formerly Invitae), Labcorp
Classification: Uncertain significance for Colorectal cancer, hereditary nonpolyposis, type 7. Last evaluated: 2026-01-27. Review status: criteria provided, single submitter. Criteria: Invitae Variant Classification Sherloc (09022015). Collection method: clinical testing. Allele origin: germline.
Comment: This sequence change replaces glutamine, which is neutral and polar, with histidine, which is basic and polar, at codon 289 of the MLH3 protein (p.Gln289His). This variant is not present in population databases (gnomAD no frequency). This variant has not been reported in the literature in individuals affected with MLH3-related conditions. ClinVar contains an entry for this variant (Variation ID: 1764257). An algorithm developed to predict the effect of missense changes on protein structure and function outputs the following: PolyPhen-2: "Benign". The histidine amino acid residue is found in multiple mammalian species, which suggests that this missense change does not adversely affect protein function. In summary, the available evidence is currently insufficient to determine the role of this variant in disease. Therefore, it has been classified as a Variant of Uncertain Significance.

Ambry Genetics
Classification: Uncertain significance. Last evaluated: 2024-06-15. Review status: criteria provided, single submitter. Criteria: Ambry Variant Classification Scheme 2023. Collection method: clinical testing. Allele origin: germline.
Comment: The p.Q289H variant (also known as c.867A>C), located in coding exon 1 of the MLH3 gene, results from an A to C substitution at nucleotide position 867. The glutamine at codon 289 is replaced by histidine, an amino acid with highly similar properties. This amino acid position is conserved. In addition, this alteration is predicted to be tolerated by in silico analysis. Since supporting evidence is limited at this time, the clinical significance of this alteration remains unclear.